The following is an entry in ClinVar:

NM_001379659.1(ZNF142):c.2111A>G (p.Lys704Arg)

Gene: ZNF142 (zinc finger protein 142; minus strand). Cytogenetic location: 2q35.
Variant type: single nucleotide variant.
Coding change: c.2111A>G on transcript NM_001379659.1 (MANE Select); coding-DNA position 2111, A replaced by G.
Protein change: p.Lys704Arg; replaces lysine 704 with arginine.
Molecular consequence: missense variant.
Genome position (GRCh38, 1-based): chr2:218,645,005, T>C on the plus strand (A>G on the coding strand, the complement: ZNF142 is on the minus strand). VCF-style: chr2-218645005-T-C. GRCh37 (hg19) VCF-style: chr2-219509728-T-C.
Other names: c.1511A>G, p.Lys504Arg (NM_001105537.5, NM_001366291.3, NM_001379662.1); c.1022A>G, p.Lys341Arg (NM_001366287.3, NM_001366288.3, NM_001366289.3); c.2111A>G, p.Lys704Arg (NM_001366290.3, NM_001379660.1, NM_001379661.1); short protein forms K341R, K504R, K704R.
Identifiers: ClinVar variation 4071693 (VCV004071693.1).

ClinVar aggregate classification (germline): Uncertain significance (1 of 4 stars; one submission).

gnomAD v4.1: 2 of 1,613,872 alleles (0.00012%); highest among the groups gnomAD compares: Non-Finnish European, 0.00017%; no homozygotes.

Submission:

GeneDx
Classification: Uncertain significance. Last evaluated: 2025-01-26. Review status: criteria provided, single submitter. Criteria: GeneDx Variant Classification Process June 2021. Collection method: clinical testing. Allele origin: germline. Affected: yes.
Comment: Not observed at significant frequency in large population cohorts (gnomAD); In silico analysis indicates that this missense variant does not alter protein structure/function; Has not been previously published as pathogenic or benign to our knowledge